The following is an entry in ClinVar:

NM_006846.4(SPINK5):c.882+2T>C

Gene: SPINK5 (serine peptidase inhibitor Kazal type 5; plus strand). Cytogenetic location: 5q32.
Variant type: single nucleotide variant.
Coding change: c.882+2T>C on transcript NM_006846.4 (MANE Select); the canonical splice donor site of the intron after coding-DNA position 882, T replaced by C.
Molecular consequence: splice donor variant.
Genome position (GRCh38, 1-based): chr5:148,095,907, T>C. VCF-style: chr5-148095907-T-C. GRCh37 (hg19) VCF-style: chr5-147475470-T-C.
Other names: c.882+2T>C (NM_001127698.2, NM_001127699.2).
Identifiers: ClinVar variation 373039 (VCV000373039.3), dbSNP rs1057518161, ClinGen allele CA16042515.

ClinVar aggregate classification (germline): Pathogenic. Review status: criteria provided, multiple submitters, no conflicts (2 of 4 stars). 2 submissions from 2 submitters: Pathogenic (2). Last evaluated 2024-10-04.

Conditions:
Netherton syndrome (NETH). Also called: ERYTHRODERMA, ICHTHYOSIFORM, WITH HYPOTRICHOSIS AND HYPER-IgE; COMEL-NETHERTON SYNDROME; NETHERTON DISEASE. Identifiers: Orphanet 634, MedGen C5574950, MONDO:0009735, OMIM 256500.

Submissions (2):

Dubai Health Genomic Medicine Center, Dubai Health
Classification: Pathogenic for Netherton syndrome. Last evaluated: 2024-10-04. Review status: criteria provided, single submitter. Criteria: ACMG Guidelines, 2015. Collection method: research. Allele origin: germline. Affected: yes.
Comment: PVS1,PM2,PP1

GeneDx
Classification: Pathogenic. Last evaluated: 2016-10-19. Review status: criteria provided, single submitter. Criteria: GeneDx Variant Classification (06012015). Collection method: clinical testing. Allele origin: germline. Affected: yes.
Comment: The c.882+2T>C variant in the SPINK5 gene has been reported previously in the homozygous state in an individual with Netherton syndrome (Alabdullatif et al., 2016). This splice site variant destroys the canonical splice donor site in intron 10. It is predicted to cause abnormal gene splicing, either leading to an abnormal message that is subject to nonsense-mediated mRNA decay, or to an abnormal protein product if the message is used for protein translation. The c.882+2T>C variant is not observed in large population cohorts (Lek et al., 2016; Exome Variant Server). We interpret c.882+2T>C as a pathogenic variant.